The following is an entry in ClinVar:

NM_021927.3(GUF1):c.220G>T (p.Val74Phe)

Gene: GUF1 (GTP binding elongation factor GUF1; plus strand). Cytogenetic location: 4p12.
Variant type: single nucleotide variant.
Coding change: c.220G>T on transcript NM_021927.3 (MANE Select); coding-DNA position 220, G replaced by T.
Protein change: p.Val74Phe; replaces valine 74 with phenylalanine.
Molecular consequence: missense variant. On other transcripts: 5 prime UTR variant (1), intron variant (1).
Genome position (GRCh38, 1-based): chr4:44,680,495, G>T. VCF-style: chr4-44680495-G-T. GRCh37 (hg19) VCF-style: chr4-44682512-G-T.
Other names: c.220G>T (NM_021927.2); c.-749G>T (NM_001345867.2); c.220G>T, p.Val74Phe (NM_001345868.2); c.-695-199G>T (NM_001345869.2); short protein forms V74F.
Identifiers: ClinVar variation 3606126 (VCV003606126.3).

ClinVar aggregate classification (germline): Uncertain significance. Review status: criteria provided, multiple submitters, no conflicts (2 of 4 stars). 2 submissions from 2 submitters: Uncertain significance (2). Last evaluated 2025-03-07.

gnomAD v4.1: 4 of 1,609,456 alleles (0.00025%); highest among the groups gnomAD compares: East Asian, 0.0022%; no homozygotes.

Submissions (2):

Ambry Genetics
Classification: Uncertain significance. Last evaluated: 2025-03-07. Review status: criteria provided, single submitter. Criteria: Ambry Variant Classification Scheme 2023. Collection method: clinical testing. Allele origin: germline.

Labcorp Genetics (formerly Invitae), Labcorp
Classification: Uncertain significance. Last evaluated: 2024-04-02. Review status: criteria provided, single submitter. Criteria: Invitae Variant Classification Sherloc (09022015). Collection method: clinical testing. Allele origin: germline.
Comment: This sequence change replaces valine, which is neutral and non-polar, with phenylalanine, which is neutral and non-polar, at codon 74 of the GUF1 protein (p.Val74Phe). This variant is present in population databases (no rsID available, gnomAD 0.006%). This variant has not been reported in the literature in individuals affected with GUF1-related conditions. Advanced modeling of protein sequence and biophysical properties (such as structural, functional, and spatial information, amino acid conservation, physicochemical variation, residue mobility, and thermodynamic stability) performed at Invitae indicates that this missense variant is not expected to disrupt GUF1 protein function with a negative predictive value of 80%. In summary, the available evidence is currently insufficient to determine the role of this variant in disease. Therefore, it has been classified as a Variant of Uncertain Significance.